The following is an entry in ClinVar:

NM_014014.5(SNRNP200):c.6070G>A (p.Val2024Ile)

Gene: SNRNP200 (small nuclear ribonucleoprotein U5 subunit 200; minus strand). Cytogenetic location: 2q11.2.
Variant type: single nucleotide variant.
Coding change: c.6070G>A on transcript NM_014014.5 (MANE Select); coding-DNA position 6070, G replaced by A.
Protein change: p.Val2024Ile; replaces valine 2024 with isoleucine.
Molecular consequence: missense variant.
Genome position (GRCh38, 1-based): chr2:96,277,103, C>T on the plus strand (G>A on the coding strand, the complement: SNRNP200 is on the minus strand). VCF-style: chr2-96277103-C-T. GRCh37 (hg19) VCF-style: chr2-96942841-C-T.
Other names: short protein forms V2024I.
Identifiers: ClinVar variation 1393527 (VCV001393527.6), dbSNP rs376585390, ClinGen allele CA1777833.

ClinVar aggregate classification (germline): Uncertain significance (1 of 4 stars; one submission).

Allele frequency attached by ClinVar (database versions not stated): gnomAD exomes below 0.00001 and 0.00001; TOPMed below 0.00001; gnomAD 0.00001; ExAC 0.00002; ESP Exome Variant Server 0.00008.
gnomAD v4.1: 3 of 1,614,096 alleles (0.00019%); highest among the groups gnomAD compares: African/African-American, 0.0013%; no homozygotes.

Submission:

Labcorp Genetics (formerly Invitae), Labcorp
Classification: Uncertain significance. Last evaluated: 2021-11-15. Review status: criteria provided, single submitter. Criteria: Invitae Variant Classification Sherloc (09022015). Collection method: clinical testing. Allele origin: germline.
Comment: This sequence change replaces valine, which is neutral and non-polar, with isoleucine, which is neutral and non-polar, at codon 2024 of the SNRNP200 protein (p.Val2024Ile). This variant is present in population databases (rs376585390, gnomAD 0.007%). This variant has not been reported in the literature in individuals affected with SNRNP200-related conditions. Algorithms developed to predict the effect of missense changes on protein structure and function (SIFT, PolyPhen-2, Align-GVGD) all suggest that this variant is likely to be tolerated. In summary, the available evidence is currently insufficient to determine the role of this variant in disease. Therefore, it has been classified as a Variant of Uncertain Significance.